The following is an entry in ClinVar:

NM_001165963.4(SCN1A):c.4581+1G>A

Genes: SCN1A (sodium voltage-gated channel alpha subunit 1; minus strand), LOC102724058 (uncharacterized LOC102724058; plus strand). Cytogenetic location: 2q24.3.
Variant type: single nucleotide variant.
Coding change: c.4581+1G>A on transcript NM_001165963.4 (MANE Select); the canonical splice donor site of the intron after coding-DNA position 4581, G replaced by A.
Molecular consequence: splice donor variant.
Genome position (GRCh38, 1-based): chr2:165,996,012, C>T on the plus strand (G>A on the coding strand, the complement: SCN1A is on the minus strand). VCF-style: chr2-165996012-C-T. GRCh37 (hg19) VCF-style: chr2-166852522-C-T.
Other names: c.4548+1G>A (NM_001353949.2, NM_001353950.2, NM_001353951.2 and 2 more transcripts); c.4497+1G>A (NM_001353958.2, NM_001353957.2, NM_001165964.3); c.4581+1G>A (NM_001202435.3, NM_001353948.2); c.4545+1G>A (NM_001353955.2, NM_001353954.2); c.4494+1G>A (NM_001353960.2); c.2139+1G>A (NM_001353961.2).
Identifiers: ClinVar variation 961360 (VCV000961360.15), dbSNP rs1689986058, ClinGen allele CA349048537.

ClinVar aggregate classification (germline): Pathogenic. Review status: criteria provided, multiple submitters, no conflicts (2 of 4 stars). 3 submissions from 3 submitters: Pathogenic (3). Last evaluated 2022-07-11.

Conditions:
Early-infantile DEE. Also called: Ohtahara syndrome; Early infantile epileptic encephalopathy; Early infantile epileptic encephalopathy with suppression bursts. Identifiers: Orphanet 1934, MedGen C0393706, MONDO:0800491.
Severe myoclonic epilepsy in infancy (DRVT). Also called: DEVELOPMENTAL AND EPILEPTIC ENCEPHALOPATHY 6A; Severe Myoclonic Epilepsy in Infancy (SMEI); Dravet syndrome; Epileptic encephalopathy, early infantile, 6 (Dravet syndrome); SEVERE MYOCLONIC EPILEPSY OF INFANCY. Identifiers: Orphanet 33069, MedGen C0751122, MONDO:0100135, OMIM 607208.
Generalized epilepsy with febrile seizures plus, type 2 (GEFSP2). Also called: GEFS+, TYPE 2. Identifiers: Orphanet 36387, MedGen C1858673, MONDO:0011461, OMIM 604403.

Submissions (4):

Labcorp Genetics (formerly Invitae), Labcorp
Classification: Pathogenic for Early-infantile DEE. Last evaluated: 2022-07-11. Review status: criteria provided, single submitter. Criteria: Invitae Variant Classification Sherloc (09022015). Collection method: clinical testing. Allele origin: germline.
Comment: Disruption of this splice site has been observed in individual(s) with classical Dravet syndrome or borderline severe myoclonic epilepsy of infancy (PMID: 18930999, 23195492). This sequence change affects a donor splice site in intron 24 of the SCN1A gene. It is expected to disrupt RNA splicing. Variants that disrupt the donor or acceptor splice site typically lead to a loss of protein function (PMID: 16199547), and loss-of-function variants in SCN1A are known to be pathogenic (PMID: 17347258, 18930999). This variant is not present in population databases (gnomAD no frequency). ClinVar contains an entry for this variant (Variation ID: 961360). Algorithms developed to predict the effect of sequence changes on RNA splicing suggest that this variant may disrupt the consensus splice site. For these reasons, this variant has been classified as Pathogenic.

Mendelics
Classification: Pathogenic for Generalized epilepsy with febrile seizures plus, type 2. Last evaluated: 2022-05-04. Review status: criteria provided, single submitter. Criteria: Mendelics Assertion Criteria 2019. Collection method: clinical testing. Allele origin: germline.

MGZ Medical Genetics Center
Classification: Pathogenic for Severe myoclonic epilepsy in infancy. Last evaluated: 2021-12-13. Review status: criteria provided, single submitter. Criteria: ACMG Guidelines, 2015. Collection method: clinical testing. Allele origin: germline. Affected: yes. Observed: 1 variant allele.
Comment: ACMG criteria applied: PVS1, PS4, PM2_SUP

Dr. Peter K. Rogan Lab, Western University
No classification provided (evidence only). Condition: Ovarian serous cystadenocarcinoma. Review status: no classification provided. Collection method: in vitro. Allele origin: not applicable. Functional consequence: retained intron. Not counted in ClinVar's aggregate classification.

Literature cited by the submitters: PubMed 18930999 (cited by Labcorp Genetics (formerly Invitae), Labcorp); PubMed 23195492 (cited by Labcorp Genetics (formerly Invitae), Labcorp); PubMed 16199547 (cited by Labcorp Genetics (formerly Invitae), Labcorp); PubMed 17347258 (cited by Labcorp Genetics (formerly Invitae), Labcorp).